The following is an entry in ClinVar:

NM_001201543.2(FAM161A):c.786C>G (p.Ile262Met)

Gene: FAM161A (FAM161 centrosomal protein A; minus strand). Cytogenetic location: 2p15.
Variant type: single nucleotide variant.
Coding change: c.786C>G on transcript NM_001201543.2 (MANE Select); coding-DNA position 786, C replaced by G.
Protein change: p.Ile262Met; replaces isoleucine 262 with methionine.
Molecular consequence: missense variant. On other transcripts: non-coding transcript variant (1).
Genome position (GRCh38, 1-based): chr2:61,840,218, G>C on the plus strand (C>G on the coding strand, the complement: FAM161A is on the minus strand). VCF-style: chr2-61840218-G-C. GRCh37 (hg19) VCF-style: chr2-62067353-G-C.
Other names: c.786C>G, p.Ile262Met (NM_032180.3); short protein forms I262M.
Identifiers: ClinVar variation 1059913 (VCV001059913.8), dbSNP rs753308050, ClinGen allele CA48477665.
Genomic context (GRCh38, chr2:61,840,218, plus strand): 5'-GAATTTCTTCTTATACTCTGGATCCTCTTCTTGTTTTTTGAGCGCTTTATGTACCATTTC[G>C]ATATCTGATTTAGATTTCATGGACTCTTCTTTTTTCTTCTGTTCTCTTATCATCATTTGA-3'
Protein context (NP_001188472.1, residues 252-272): KEESMKSKSD[Ile262Met]EMVHKALKKQ

ClinVar aggregate classification (germline): Uncertain significance (1 of 4 stars; one submission).

Submission:

Labcorp Genetics (formerly Invitae), Labcorp
Classification: Uncertain significance. Last evaluated: 2020-09-24. Review status: criteria provided, single submitter. Criteria: Invitae Variant Classification Sherloc (09022015). Collection method: clinical testing. Allele origin: germline.
Comment: This sequence change replaces isoleucine with methionine at codon 262 of the FAM161A protein (p.Ile262Met). The isoleucine residue is moderately conserved and there is a small physicochemical difference between isoleucine and methionine. In summary, the available evidence is currently insufficient to determine the role of this variant in disease. Therefore, it has been classified as a Variant of Uncertain Significance. Algorithms developed to predict the effect of missense changes on protein structure and function are either unavailable or do not agree on the potential impact of this missense change (SIFT: "Deleterious"; PolyPhen-2: "Possibly Damaging"; Align-GVGD: "Class C0"). This variant has not been reported in the literature in individuals with FAM161A-related conditions. This variant is not present in population databases (ExAC no frequency).